The following is an entry in ClinVar:

ClinVar aggregate classification (germline): Uncertain significance (1 of 4 stars; one submission).

Conditions:
Cardiovascular phenotype. Identifiers: MedGen CN230736.

Submission:

Molecular Diagnostic Laboratory for Inherited Cardiovascular Disease, Montreal Heart Institute
Classification: Uncertain significance for Cardiovascular phenotype. Last evaluated: 2025-04-09. Review status: criteria provided, single submitter. Criteria: ACMG Guidelines, 2015. Collection method: clinical testing. Allele origin: germline. Affected: yes.
Comment: PM2, BP1, BP4

NM_004006.3(DMD):c.7343C>T (p.Pro2448Leu)

Gene: DMD (dystrophin; minus strand). Cytogenetic location: Xp21.1.
Variant type: single nucleotide variant.
Coding change: c.7343C>T on transcript NM_004006.3 (MANE Select); coding-DNA position 7343, C replaced by T.
Protein change: p.Pro2448Leu; replaces proline 2448 with leucine.
Molecular consequence: missense variant. On other transcripts: 5 prime UTR variant (5).
Genome position (GRCh38, 1-based): chrX:31,774,159, G>A on the plus strand (C>T on the coding strand, the complement: DMD is on the minus strand). VCF-style: chrX-31774159-G-A. GRCh37 (hg19) VCF-style: chrX-31792276-G-A.
Other names: c.7319C>T, p.Pro2440Leu (NM_000109.4); c.7331C>T, p.Pro2444Leu (NM_004009.3); c.6974C>T, p.Pro2325Leu (NM_004010.3); c.3320C>T, p.Pro1107Leu (NM_004011.4); c.3311C>T, p.Pro1104Leu (NM_004012.4); c.-38C>T (NM_004013.3, NM_004020.4, NM_004021.3 and 2 more transcripts); short protein forms P1104L, P1107L, P2325L, P2440L, P2444L, P2448L.
Identifiers: ClinVar variation 3895206 (VCV003895206.1).